The following is an entry in ClinVar:

NM_001289104.2(PRKCSH):c.107C>T (p.Pro36Leu)

Gene: PRKCSH (PRKCSH beta subunit of glucosidase II; plus strand). Cytogenetic location: 19p13.2.
Variant type: single nucleotide variant.
Coding change: c.107C>T on transcript NM_001289104.2 (MANE Select); coding-DNA position 107, C replaced by T.
Protein change: p.Pro36Leu; replaces proline 36 with leucine.
Molecular consequence: missense variant.
Genome position (GRCh38, 1-based): chr19:11,436,416, C>T. VCF-style: chr19-11436416-C-T. GRCh37 (hg19) VCF-style: chr19-11547237-C-T.
Other names: c.107C>T, p.Pro36Leu (NM_001001329.3, NM_001289102.2, NM_001289103.2 and 3 more transcripts); short protein forms P36L.
Identifiers: ClinVar variation 3716176 (VCV003716176.2).

ClinVar aggregate classification (germline): Uncertain significance (1 of 4 stars; one submission).

gnomAD v4.1: 18 of 1,614,094 alleles (0.0011%); highest among the groups gnomAD compares: African/African-American, 0.011%; no homozygotes.

Submission:

Labcorp Genetics (formerly Invitae), Labcorp
Classification: Uncertain significance. Last evaluated: 2024-11-27. Review status: criteria provided, single submitter. Criteria: Invitae Variant Classification Sherloc (09022015). Collection method: clinical testing. Allele origin: germline.
Comment: This sequence change replaces proline, which is neutral and non-polar, with leucine, which is neutral and non-polar, at codon 36 of the PRKCSH protein (p.Pro36Leu). This variant is present in population databases (rs144501546, gnomAD 0.02%). This variant has not been reported in the literature in individuals affected with PRKCSH-related conditions. An algorithm developed to predict the effect of missense changes on protein structure and function (PolyPhen-2) suggests that this variant is likely to be disruptive. In summary, the available evidence is currently insufficient to determine the role of this variant in disease. Therefore, it has been classified as a Variant of Uncertain Significance.